The following is an entry in ClinVar:

NM_000238.4(KCNH2):c.2906G>T (p.Gly969Val)

Gene: KCNH2 (potassium voltage-gated channel subfamily H member 2; minus strand). Cytogenetic location: 7q36.1.
Variant type: single nucleotide variant.
Coding change: c.2906G>T on transcript NM_000238.4 (MANE Select); coding-DNA position 2906, G replaced by T.
Protein change: p.Gly969Val; replaces glycine 969 with valine.
Molecular consequence: missense variant.
Genome position (GRCh38, 1-based): chr7:150,947,665, C>A on the plus strand (G>T on the coding strand, the complement: KCNH2 is on the minus strand). VCF-style: chr7-150947665-C-A. GRCh37 (hg19) VCF-style: chr7-150644753-C-A.
Other names: c.1886G>T, p.Gly629Val (NM_172057.3); short protein forms G629V, G969V.
Identifiers: ClinVar variation 926647 (VCV000926647.6), dbSNP rs749873669, ClinGen allele CA369853164.

ClinVar aggregate classification (germline): Uncertain significance (1 of 4 stars; one submission).

Conditions:
Cardiac arrhythmia. Also called: Cardiac rhythm disease; Arrhythmia. Identifiers: MedGen C0003811, MONDO:0007263, HP:0011675.

Submission:

Color Diagnostics, LLC DBA Color Health
Classification: Uncertain significance for Cardiac arrhythmia. Last evaluated: 2024-03-06. Review status: criteria provided, single submitter. Criteria: ACMG Guidelines, 2015. Collection method: clinical testing. Allele origin: germline.
Comment: This missense variant replaces glycine with valine at codon 969 of the KCNH2 protein. Computational prediction is inconclusive regarding the impact of this variant on protein structure and function (internally defined REVEL score threshold 0.5 < inconclusive < 0.7, PMID: 27666373). Splice site prediction tools suggest that this variant may not impact RNA splicing. To our knowledge, functional studies have not been performed for this variant. This variant has not been reported in individuals affected with cardiovascular disorders in the literature. This variant has not been identified in the general population by the Genome Aggregation Database (gnomAD). The available evidence is insufficient to determine the role of this variant in disease conclusively. Therefore, this variant is classified as a Variant of Uncertain Significance.